The following is an entry in ClinVar:

ClinVar aggregate classification (germline): Uncertain significance (1 of 4 stars; one submission).

Conditions:
Hereditary nonpolyposis colorectal neoplasms. Identifiers: MedGen C0009405, MeSH D003123.

Allele frequency attached by ClinVar (database versions not stated): gnomAD exomes below 0.00001.

Submission:

Labcorp Genetics (formerly Invitae), Labcorp
Classification: Uncertain significance for Hereditary nonpolyposis colorectal neoplasms. Last evaluated: 2022-01-06. Review status: criteria provided, single submitter. Criteria: Invitae Variant Classification Sherloc (09022015). Collection method: clinical testing. Allele origin: germline.
Comment: This sequence change replaces glycine, which is neutral and non-polar, with alanine, which is neutral and non-polar, at codon 620 of the MSH6 protein (p.Gly620Ala). This variant is not present in population databases (gnomAD no frequency). This variant has not been reported in the literature in individuals affected with MSH6-related conditions. ClinVar contains an entry for this variant (Variation ID: 854905). Advanced modeling of protein sequence and biophysical properties (such as structural, functional, and spatial information, amino acid conservation, physicochemical variation, residue mobility, and thermodynamic stability) performed at Invitae indicates that this missense variant is not expected to disrupt MSH6 protein function. In summary, the available evidence is currently insufficient to determine the role of this variant in disease. Therefore, it has been classified as a Variant of Uncertain Significance.

NM_000179.3(MSH6):c.1859G>C (p.Gly620Ala)

Gene: MSH6 (mutS homolog 6; plus strand). Cytogenetic location: 2p16.3.
Variant type: single nucleotide variant.
Coding change: c.1859G>C on transcript NM_000179.3 (MANE Select); coding-DNA position 1859, G replaced by C.
Protein change: p.Gly620Ala; replaces glycine 620 with alanine.
Molecular consequence: missense variant.
Genome position (GRCh38, 1-based): chr2:47,799,842, G>C. VCF-style: chr2-47799842-G-C. GRCh37 (hg19) VCF-style: chr2-48026981-G-C.
Other names: c.1469G>C, p.Gly490Ala (NM_001281492.2); c.953G>C, p.Gly318Ala (NM_001281493.2, NM_001281494.2); short protein forms G490A, G318A, G620A.
Identifiers: ClinVar variation 854905 (VCV000854905.9), dbSNP rs1669385083, ClinGen allele CA346749816.